The following is an entry in ClinVar:

ClinVar aggregate classification (germline): Likely benign. Review status: reviewed by expert panel (3 of 4 stars). 6 submissions from 6 submitters: Likely benign (1). 5 of the submissions do not count toward it. Last evaluated 2025-02-11.

Conditions:
Bernard Soulier syndrome (BSS). Also called: GLYCOPROTEIN Ib, PLATELET, DEFICIENCY OF; BLEEDING DISORDER, PLATELET-TYPE, 1; PLATELET GLYCOPROTEIN Ib DEFICIENCY; VON WILLEBRAND FACTOR RECEPTOR DEFICIENCY; Giant platelet syndrome; Hemorrhagiparous thrombocytic dystrophy. Identifiers: Orphanet 274, MedGen C0005129, MeSH D001606, MONDO:0009276, OMIM 231200.
GP9-related disorder. Also called: GP9-related condition.

Allele frequency attached by ClinVar (database versions not stated): gnomAD 0.00011; gnomAD exomes 0.00014 and 0.00016; TOPMed 0.00014; 1000 Genomes Project 0.00020; 1000 Genomes Project 30x 0.00031; ExAC 0.00037.
gnomAD v4.1: 246 of 1,581,030 alleles (0.016%); highest among the groups gnomAD compares: Non-Finnish European, 0.019%; no homozygotes.

Submissions (6):

ClinGen Platelet Disorders Variant Curation Expert Panel, ClinGen
Classification: Likely benign for Bernard Soulier syndrome. Last evaluated: 2025-02-11. Review status: reviewed by expert panel. Criteria: ClinGen Platelet ACMG Specifications GP9 V1.0.0. Collection method: curation. Allele origin: germline. Inheritance: Autosomal recessive inheritance.
Comment: The c.423G>A variant is a synonymous (silent) variant (p.Ala141=) that is not predicted by SpliceAI to impact splicing (score <0.2, BP4). In addition, it occurs at a nucleotide that is not highly conserved as shown by phyloP score of -1.8 (<1.5) (BP7). The Grpmax Filtering allele frequency in gnomAD v4.1 is 0.0001647 (based on 216/1167496alleles) in the European (non-Finnish) population, which is above the ClinGen PD VCEP PM2_supporting threshold (<0.0000329) but below the BS1 threshold (>0.0007). In summary, this variant meets the criteria to be classified as likely benign for autosomal recessive Bernard-Soulier syndrome based on the ACMG/AMP criteria applied, as specified by the ClinGen PD VCEP: BP4, BP7

Labcorp Genetics (formerly Invitae), Labcorp
Classification: Likely benign. Last evaluated: 2025-12-16. Review status: criteria provided, single submitter. Criteria: Invitae Variant Classification Sherloc (09022015). Collection method: clinical testing. Allele origin: germline. Not counted in ClinVar's aggregate classification.

CeGaT Center for Human Genetics Tuebingen
Classification: Likely benign. Last evaluated: 2025-02-01. Review status: criteria provided, single submitter. Criteria: CeGaT Center For Human Genetics Tuebingen Variant Classification Criteria Version 2. Collection method: clinical testing. Allele origin: germline. Affected: yes. Observed: 1 variant allele. Not counted in ClinVar's aggregate classification.
Comment: GP9: BP4, BP7

Blueprint Genetics
Classification: Likely benign. Last evaluated: 2024-03-01. Review status: criteria provided, single submitter. Criteria: ACMG Guidelines, 2015. Collection method: clinical testing. Allele origin: germline. Not counted in ClinVar's aggregate classification.

Illumina Laboratory Services, Illumina
Classification: Uncertain significance for Bernard Soulier syndrome. Last evaluated: 2017-04-28. Review status: criteria provided, single submitter. Criteria: ICSL Variant Classification Criteria 13 December 2019. Collection method: clinical testing. Allele origin: germline. Not counted in ClinVar's aggregate classification.

PreventionGenetics, part of Exact Sciences
Classification: Likely benign for GP9-related condition. Last evaluated: 2019-12-31. Review status: no assertion criteria provided. Collection method: clinical testing. Allele origin: germline. Not counted in ClinVar's aggregate classification.
Comment: This variant is classified as likely benign based on ACMG/AMP sequence variant interpretation guidelines (Richards et al. 2015 PMID: 25741868, with internal and published modifications).

NM_000174.5(GP9):c.423G>A (p.Ala141=)

Gene: GP9 (glycoprotein IX platelet; plus strand). Cytogenetic location: 3q21.3.
Variant type: single nucleotide variant.
Coding change: c.423G>A on transcript NM_000174.5 (MANE Select); coding-DNA position 423, G replaced by A.
Protein change: p.Ala141=; no amino-acid change (alanine 141 retained).
Molecular consequence: synonymous variant.
Genome position (GRCh38, 1-based): chr3:129,062,162, G>A. VCF-style: chr3-129062162-G-A. GRCh37 (hg19) VCF-style: chr3-128781005-G-A.
Other names: NM_000174.5(GP9):c.423G>A; p.Ala141=; c.423G>A (NM_000174.4).
Identifiers: ClinVar variation 900154 (VCV000900154.29), dbSNP rs553559631, ClinGen allele CA2602711.